The following is an entry in ClinVar:

NM_001382567.1(STIM1):c.1496G>A (p.Arg499His)

Gene: STIM1 (stromal interaction molecule 1; plus strand). Cytogenetic location: 11p15.4.
Variant type: single nucleotide variant.
Coding change: c.1496G>A on transcript NM_001382567.1 (MANE Select); coding-DNA position 1496, G replaced by A.
Protein change: p.Arg499His; replaces arginine 499 with histidine.
Molecular consequence: missense variant. On other transcripts: intron variant (15).
Genome position (GRCh38, 1-based): chr11:4,084,694, G>A. VCF-style: chr11-4084694-G-A. GRCh37 (hg19) VCF-style: chr11-4105924-G-A.
Other names: c.1252+1196G>A (NM_001382578.1, NM_001382575.1, NM_001382576.1 and 3 more transcripts); c.985+1196G>A (NM_001382580.1, NM_001382581.1); c.1495+1196G>A (NM_001382568.1); c.1474+1196G>A (NM_001277962.2, NM_003156.4, NM_001277961.3); c.1246+1196G>A (NM_001382570.1); c.1339+1196G>A (NM_001382569.1); c.994+1196G>A (NM_001382571.1); short protein forms R499H.
Identifiers: ClinVar variation 4821216 (VCV004821216.4).

ClinVar aggregate classification (germline): Likely benign (1 of 4 stars; one submission).

gnomAD v4.1: 174 of 1,289,388 alleles (0.013%); highest among the groups gnomAD compares: African/African-American, 0.033%; no homozygotes.

Submission:

CeGaT Center for Human Genetics Tuebingen
Classification: Likely benign. Last evaluated: 2026-03-01. Review status: criteria provided, single submitter. Criteria: CeGaT Center For Human Genetics Tuebingen Variant Classification Criteria Version 2. Collection method: clinical testing. Allele origin: germline. Affected: yes. Observed: 1 variant allele.
Comment: STIM1: BS2